The following is an entry in ClinVar:

ClinVar aggregate classification (germline): Uncertain significance (1 of 4 stars; one submission).

Conditions:
Inborn genetic diseases. Identifiers: MedGen C0950123, MeSH D030342.

Allele frequency attached by ClinVar (database versions not stated): TOPMed below 0.00001.
gnomAD v4.1: 3 of 1,614,088 alleles (0.00019%); highest among the groups gnomAD compares: Non-Finnish European, 0.000085%; no homozygotes.

Submission:

Ambry Genetics
Classification: Uncertain significance for Inborn genetic diseases. Last evaluated: 2024-02-25. Review status: criteria provided, single submitter. Criteria: Ambry Variant Classification Scheme 2023. Collection method: clinical testing. Allele origin: germline.
Comment: The p.V1338M variant (also known as c.4012G>A), located in coding exon 22 of the ATR gene, results from a G to A substitution at nucleotide position 4012. The valine at codon 1338 is replaced by methionine, an amino acid with highly similar properties. This amino acid position is conserved. In addition, the in silico prediction for this alteration is inconclusive. Since supporting evidence is limited at this time, the clinical significance of this alteration remains unclear.

NM_001184.4(ATR):c.4012G>A (p.Val1338Met)

Gene: ATR (ATR checkpoint kinase; minus strand). Cytogenetic location: 3q23.
Variant type: single nucleotide variant.
Coding change: c.4012G>A on transcript NM_001184.4 (MANE Select); coding-DNA position 4012, G replaced by A.
Protein change: p.Val1338Met; replaces valine 1338 with methionine.
Molecular consequence: missense variant.
Genome position (GRCh38, 1-based): chr3:142,524,133, C>T on the plus strand (G>A on the coding strand, the complement: ATR is on the minus strand). VCF-style: chr3-142524133-C-T. GRCh37 (hg19) VCF-style: chr3-142242975-C-T.
Other names: c.3820G>A, p.Val1274Met (NM_001354579.2); short protein forms V1274M, V1338M.
Identifiers: ClinVar variation 1737032 (VCV001737032.2), dbSNP rs2033271628, ClinGen allele CA354802662.